The following is an entry in ClinVar:

NM_001083962.2(TCF4):c.1848C>T (p.Ala616=)

Gene: TCF4 (transcription factor 4; minus strand). Cytogenetic location: 18q21.2.
Variant type: single nucleotide variant.
Coding change: c.1848C>T on transcript NM_001083962.2 (MANE Select); coding-DNA position 1848, C replaced by T.
Protein change: p.Ala616=; no amino-acid change (alanine 616 retained).
Molecular consequence: synonymous variant.
Genome position (GRCh38, 1-based): chr18:55,228,878, G>A on the plus strand (C>T on the coding strand, the complement: TCF4 is on the minus strand). VCF-style: chr18-55228878-G-A. GRCh37 (hg19) VCF-style: chr18-52896109-G-A.
Other names: c.2154C>T, p.Ala718= (NM_001243226.3); c.1776C>T, p.Ala592= (NM_001243227.2, NM_001348217.1, NM_001348218.2 and 1 more transcripts); c.1866C>T, p.Ala622= (NM_001243228.2); c.1827C>T, p.Ala609= (NM_001243230.2); c.1710C>T, p.Ala570= (NM_001243231.2); c.1635C>T, p.Ala545= (NM_001243232.1); c.1446C>T, p.Ala482= (NM_001243233.2, NM_001348212.2); c.1368C>T, p.Ala456= (NM_001243234.2, NM_001348216.2); and 14 more.
Identifiers: ClinVar variation 385368 (VCV000385368.10), dbSNP rs759645955, ClinGen allele CA8970146.
Genomic context (GRCh38, chr18:55,228,878, plus strand): 5'-GCTCTGCAAGGAGGCTGGCCTGCACTGACCTCGGACTTGCTGCTCCAGACTGAGGATGAC[G>A]GCCACCGCCTGGTGGAGGATCAGGAGCTTGGTCTGGGGCTTGTCACTCTTGAGGTGGAGC-3'
Protein context (NP_001077431.1, residues 606-626): TKLLILHQAV[Ala616=]VILSLEQQVR

ClinVar aggregate classification (germline): Likely benign. Review status: criteria provided, multiple submitters, no conflicts (2 of 4 stars). 3 submissions from 3 submitters: Likely benign (3). Last evaluated 2025-12-01.

Conditions:
Pitt-Hopkins syndrome (PTHS). Also called: MENTAL RETARDATION, SYNDROMAL, WITH INTERMITTENT HYPERVENTILATION; ENCEPHALOPATHY, SEVERE EPILEPTIC, WITH AUTONOMIC DYSFUNCTION. Identifiers: Orphanet 2896, MedGen C1970431, MONDO:0012589, OMIM 610954.

Allele frequency attached by ClinVar (database versions not stated): TOPMed 0.00001.
gnomAD v4.1: 18 of 1,614,128 alleles (0.0011%); highest among the groups gnomAD compares: Middle Eastern, 0.033%; no homozygotes.

Submissions (3):

Labcorp Genetics (formerly Invitae), Labcorp
Classification: Likely benign for Pitt-Hopkins syndrome. Last evaluated: 2025-12-01. Review status: criteria provided, single submitter. Criteria: Invitae Variant Classification Sherloc (09022015). Collection method: clinical testing. Allele origin: germline.

Blueprint Genetics
Classification: Likely benign. Last evaluated: 2023-09-25. Review status: criteria provided, single submitter. Criteria: ACMG Guidelines, 2015. Collection method: clinical testing. Allele origin: germline.

GeneDx
Classification: Likely benign. Last evaluated: 2016-04-14. Review status: criteria provided, single submitter. Criteria: GeneDx Variant Classification (06012015). Collection method: clinical testing. Allele origin: germline. Affected: yes.
Comment: This variant is considered likely benign or benign based on one or more of the following criteria: it is a conservative change, it occurs at a poorly conserved position in the protein, it is predicted to be benign by multiple in silico algorithms, and/or has population frequency not consistent with disease.